The following is an entry in ClinVar:

NM_001843.4(CNTN1):c.626A>T (p.Tyr209Phe)

Gene: CNTN1 (contactin 1; plus strand). Cytogenetic location: 12q12.
Variant type: single nucleotide variant.
Coding change: c.626A>T on transcript NM_001843.4 (MANE Select); coding-DNA position 626, A replaced by T.
Protein change: p.Tyr209Phe; replaces tyrosine 209 with phenylalanine.
Molecular consequence: missense variant.
Genome position (GRCh38, 1-based): chr12:40,929,925, A>T. VCF-style: chr12-40929925-A-T. GRCh37 (hg19) VCF-style: chr12-41323727-A-T.
Other names: c.626A>T, p.Tyr209Phe (NM_001256063.2, NM_001256064.2); c.593A>T, p.Tyr198Phe (NM_175038.2); short protein forms Y209F, Y198F.
Identifiers: ClinVar variation 1464297 (VCV001464297.7), dbSNP rs1229864034, ClinGen allele CA384422734.

ClinVar aggregate classification (germline): Uncertain significance (1 of 4 stars; one submission).

Conditions:
Compton-North congenital myopathy (CMYO12). Identifiers: Orphanet 210163, MedGen C2675527, MONDO:0012929, OMIM 612540.

Allele frequency attached by ClinVar (database versions not stated): gnomAD exomes below 0.00001; gnomAD 0.00001; TOPMed 0.00001.
gnomAD v4.1: 2 of 1,612,810 alleles (0.00012%); highest among the groups gnomAD compares: Non-Finnish European, 0.00017%; no homozygotes.

Submission:

Labcorp Genetics (formerly Invitae), Labcorp
Classification: Uncertain significance for Compton-North congenital myopathy. Last evaluated: 2024-10-17. Review status: criteria provided, single submitter. Criteria: Invitae Variant Classification Sherloc (09022015). Collection method: clinical testing. Allele origin: germline.
Comment: This sequence change replaces tyrosine, which is neutral and polar, with phenylalanine, which is neutral and non-polar, at codon 209 of the CNTN1 protein (p.Tyr209Phe). This variant is not present in population databases (gnomAD no frequency). This variant has not been reported in the literature in individuals affected with CNTN1-related conditions. ClinVar contains an entry for this variant (Variation ID: 1464297). Invitae Evidence Modeling of protein sequence and biophysical properties (such as structural, functional, and spatial information, amino acid conservation, physicochemical variation, residue mobility, and thermodynamic stability) indicates that this missense variant is expected to disrupt CNTN1 protein function with a positive predictive value of 95%. In summary, the available evidence is currently insufficient to determine the role of this variant in disease. Therefore, it has been classified as a Variant of Uncertain Significance.